The following is an entry in ClinVar:

ClinVar aggregate classification (germline): Likely benign (1 of 4 stars; one submission).

Submission:

CeGaT Center for Human Genetics Tuebingen
Classification: Likely benign. Last evaluated: 2025-03-01. Review status: criteria provided, single submitter. Criteria: CeGaT Center For Human Genetics Tuebingen Variant Classification Criteria Version 2. Collection method: clinical testing. Allele origin: germline. Affected: yes. Observed: 2 variant alleles.
Comment: UGDH: BP4, BP7

NM_003359.4(UGDH):c.1440G>C (p.Pro480=)

Gene: UGDH (UDP-glucose 6-dehydrogenase; minus strand). Cytogenetic location: 4p14.
Variant type: single nucleotide variant.
Coding change: c.1440G>C on transcript NM_003359.4 (MANE Select); coding-DNA position 1440, G replaced by C.
Protein change: p.Pro480=; no amino-acid change (proline 480 retained).
Molecular consequence: synonymous variant.
Genome position (GRCh38, 1-based): chr4:39,500,188, C>G on the plus strand (G>C on the coding strand, the complement: UGDH is on the minus strand). VCF-style: chr4-39500188-C-G. GRCh37 (hg19) VCF-style: chr4-39501808-C-G.
Other names: c.1239G>C, p.Pro413= (NM_001184700.2); c.1149G>C, p.Pro383= (NM_001184701.2).
Identifiers: ClinVar variation 1675947 (VCV001675947.33), dbSNP rs200551526, ClinGen allele CA2894899.